The following is an entry in ClinVar:

NM_001077350.3(NPRL3):c.978C>A (p.Tyr326Ter)

Genes: HBA-LCR (alpha-globin locus control region; plus strand), NPRL3 (NPR3 like, GATOR1 complex subunit; minus strand). Cytogenetic location: 16p13.3.
Variant type: single nucleotide variant.
Coding change: c.978C>A on transcript NM_001077350.3 (MANE Select); coding-DNA position 978, C replaced by A.
Protein change: p.Tyr326Ter; replaces tyrosine 326 with a stop codon.
Molecular consequence: nonsense.
Genome position (GRCh38, 1-based): chr16:93,272, G>T on the plus strand (C>A on the coding strand, the complement: NPRL3 is on the minus strand). VCF-style: chr16-93272-G-T. GRCh37 (hg19) VCF-style: chr16-143270-G-T.
Other names: c.441C>A, p.Tyr147Ter (NM_001039476.3); c.744C>A, p.Tyr248Ter (NM_001243247.2); c.903C>A, p.Tyr301Ter (NM_001243248.2, NM_001243249.2); short protein forms Y147*, Y248*, Y301*, Y326*.
Identifiers: ClinVar variation 2578752 (VCV002578752.26), dbSNP rs2542813615, ClinGen allele CA394053584.

ClinVar aggregate classification (germline): Pathogenic/Likely pathogenic. Review status: criteria provided, multiple submitters, no conflicts (2 of 4 stars). 2 submissions from 2 submitters: Pathogenic (1); Likely pathogenic (1). Last evaluated 2025-02-14.

Conditions:
Epilepsy, familial focal, with variable foci 3 (FFEVF3). Identifiers: MedGen C4310708, MONDO:0014925, OMIM 617118.

Submissions (2):

Labcorp Genetics (formerly Invitae), Labcorp
Classification: Pathogenic for Epilepsy, familial focal, with variable foci 3. Last evaluated: 2025-02-14. Review status: criteria provided, single submitter. Criteria: Invitae Variant Classification Sherloc (09022015). Collection method: clinical testing. Allele origin: germline.
Comment: This sequence change creates a premature translational stop signal (p.Tyr326*) in the NPRL3 gene. It is expected to result in an absent or disrupted protein product. Loss-of-function variants in NPRL3 are known to be pathogenic (PMID: 26285051, 26505888). This variant is not present in population databases (gnomAD no frequency). This variant has not been reported in the literature in individuals affected with NPRL3-related conditions. ClinVar contains an entry for this variant (Variation ID: 2578752). For these reasons, this variant has been classified as Pathogenic.

CeGaT Center for Human Genetics Tuebingen
Classification: Likely pathogenic. Last evaluated: 2023-08-01. Review status: criteria provided, single submitter. Criteria: CeGaT Center For Human Genetics Tuebingen Variant Classification Criteria Version 2. Collection method: clinical testing. Allele origin: germline. Affected: yes. Observed: 1 variant allele.
Comment: NPRL3: PVS1:Strong, PM2

Literature cited by the submitters: PubMed 26285051 (cited by Labcorp Genetics (formerly Invitae), Labcorp); PubMed 26505888 (cited by Labcorp Genetics (formerly Invitae), Labcorp).